The following is an entry in ClinVar:

ClinVar aggregate classification (germline): Uncertain significance (1 of 4 stars; one submission).

Conditions:
Congenital sideroblastic anemia-B-cell immunodeficiency-periodic fever-developmental delay syndrome. Also called: Sideroblastic anemia with B-cell immunodeficiency, periodic fevers, and developmental delay. Identifiers: Orphanet 369861, MedGen C4015172, MONDO:0014487, OMIM 616084.

Allele frequency attached by ClinVar (database versions not stated): gnomAD exomes below 0.00001.
gnomAD v4.1: 2 of 1,614,134 alleles (0.00012%); highest among the groups gnomAD compares: Non-Finnish European, 0.000085%; no homozygotes.

Submission:

Labcorp Genetics (formerly Invitae), Labcorp
Classification: Uncertain significance for Congenital sideroblastic anemia-B-cell immunodeficiency-periodic fever-developmental delay syndrome. Last evaluated: 2022-05-19. Review status: criteria provided, single submitter. Criteria: Invitae Variant Classification Sherloc (09022015). Collection method: clinical testing. Allele origin: germline.
Comment: In summary, the available evidence is currently insufficient to determine the role of this variant in disease. Therefore, it has been classified as a Variant of Uncertain Significance. Algorithms developed to predict the effect of missense changes on protein structure and function (SIFT, PolyPhen-2, Align-GVGD) all suggest that this variant is likely to be tolerated. ClinVar contains an entry for this variant (Variation ID: 856537). This variant has not been reported in the literature in individuals affected with TRNT1-related conditions. This variant is not present in population databases (gnomAD no frequency). This sequence change replaces glutamine, which is neutral and polar, with glutamic acid, which is acidic and polar, at codon 38 of the TRNT1 protein (p.Gln38Glu).

NM_182916.3(TRNT1):c.112C>G (p.Gln38Glu)

Gene: TRNT1 (tRNA nucleotidyl transferase 1; plus strand). Cytogenetic location: 3p26.2.
Variant type: single nucleotide variant.
Coding change: c.112C>G on transcript NM_182916.3 (MANE Select); coding-DNA position 112, C replaced by G.
Protein change: p.Gln38Glu; replaces glutamine 38 with glutamic acid.
Molecular consequence: missense variant. On other transcripts: non-coding transcript variant (11).
Genome position (GRCh38, 1-based): chr3:3,129,152, C>G. VCF-style: chr3-3129152-C-G. GRCh37 (hg19) VCF-style: chr3-3170836-C-G.
Other names: c.112C>G, p.Gln38Glu (NM_001302946.2, NM_001367321.1, NM_001367322.1 and 1 more transcripts); short protein forms Q38E.
Identifiers: ClinVar variation 856537 (VCV000856537.6), dbSNP rs1704825513, ClinGen allele CA351442321.